The following is an entry in ClinVar:

ClinVar aggregate classification (germline): Likely benign. Review status: criteria provided, multiple submitters, no conflicts (2 of 4 stars). 4 submissions from 4 submitters: Likely benign (4). Last evaluated 2025-03-10.

Conditions:
Cardiovascular phenotype. Identifiers: MedGen CN230736.
Dilated cardiomyopathy 1G (CMD1G). Identifiers: Orphanet 154, MedGen C1858763, MONDO:0011400, OMIM 604145.
Autosomal recessive limb-girdle muscular dystrophy type 2J (LGMDR10). Also called: MUSCULAR DYSTROPHY, LIMB-GIRDLE, AUTOSOMAL RECESSIVE 10; Limb-girdle muscular dystrophy, type 2J. Identifiers: Orphanet 140922, MedGen C1837342, MONDO:0012127, OMIM 608807.

Allele frequency attached by ClinVar (database versions not stated): TOPMed below 0.00001; gnomAD exomes 0.00001; ExAC 0.00002; ESP Exome Variant Server 0.00008.
gnomAD v4.1: 6 of 1,612,980 alleles (0.00037%); highest among the groups gnomAD compares: Non-Finnish European, 0.00051%; no homozygotes.

Submissions (4):

Labcorp Genetics (formerly Invitae), Labcorp
Classification: Likely benign for Dilated cardiomyopathy 1G; Autosomal recessive limb-girdle muscular dystrophy type 2J. Last evaluated: 2025-03-10. Review status: criteria provided, single submitter. Criteria: Invitae Variant Classification Sherloc (09022015). Collection method: clinical testing. Allele origin: germline.

CeGaT Center for Human Genetics Tuebingen
Classification: Likely benign. Last evaluated: 2025-03-01. Review status: criteria provided, single submitter. Criteria: CeGaT Center For Human Genetics Tuebingen Variant Classification Criteria Version 2. Collection method: clinical testing. Allele origin: germline. Affected: yes. Observed: 1 variant allele.
Comment: TTN: BP4, BP7

Ambry Genetics
Classification: Likely benign for Cardiovascular phenotype. Last evaluated: 2023-12-30. Review status: criteria provided, single submitter. Criteria: Ambry Variant Classification Scheme 2023. Collection method: clinical testing. Allele origin: germline.

Blueprint Genetics
Classification: Likely benign. Last evaluated: 2020-03-11. Review status: criteria provided, single submitter. Criteria: ACMG Guidelines, 2015. Collection method: clinical testing. Allele origin: germline.

NM_001267550.2(TTN):c.66021T>C (p.Ser22007=)

Genes: TTN (titin; minus strand), TTN-AS1 (TTN antisense RNA 1; plus strand). Cytogenetic location: 2q31.2.
Variant type: single nucleotide variant.
Coding change: c.66021T>C on transcript NM_001267550.2 (MANE Select); coding-DNA position 66021, T replaced by C.
Protein change: p.Ser22007=; no amino-acid change (serine 22007 retained).
Molecular consequence: synonymous variant.
Genome position (GRCh38, 1-based): chr2:178,582,435, A>G on the plus strand (T>C on the coding strand, the complement: TTN is on the minus strand). VCF-style: chr2-178582435-A-G. GRCh37 (hg19) VCF-style: chr2-179447162-A-G.
Other names: c.61098T>C, p.Ser20366= (NM_001256850.1); c.38826T>C, p.Ser12942= (NM_003319.4); c.58317T>C, p.Ser19439= (NM_133378.4); c.39201T>C, p.Ser13067= (NM_133432.3); c.39402T>C, p.Ser13134= (NM_133437.4).
Identifiers: ClinVar variation 1142105 (VCV001142105.18), dbSNP rs370252623, ClinGen allele CA1991595.